The following is an entry in ClinVar:

NM_001277115.2(DNAH11):c.5230A>C (p.Thr1744Pro)

Gene: DNAH11 (dynein axonemal heavy chain 11; plus strand). Cytogenetic location: 7p15.3.
Variant type: single nucleotide variant.
Coding change: c.5230A>C on transcript NM_001277115.2 (MANE Select); coding-DNA position 5230, A replaced by C.
Protein change: p.Thr1744Pro; replaces threonine 1744 with proline.
Molecular consequence: missense variant.
Genome position (GRCh38, 1-based): chr7:21,658,933, A>C. VCF-style: chr7-21658933-A-C. GRCh37 (hg19) VCF-style: chr7-21698551-A-C.
Other names: c.5245A>C, p.Thr1749Pro (NM_003777.3); short protein forms T1744P, T1749P.
Identifiers: ClinVar variation 1746234 (VCV001746234.2), dbSNP rs2534839412, ClinGen allele CA366939847.

ClinVar aggregate classification (germline): Uncertain significance (1 of 4 stars; one submission).

Conditions:
Primary ciliary dyskinesia. Also called: Ciliary dyskinesia. Identifiers: Orphanet 244, MedGen C0008780, MONDO:0016575, HP:0012265.

Submission:

Ambry Genetics
Classification: Uncertain significance for Primary ciliary dyskinesia. Last evaluated: 2019-09-19. Review status: criteria provided, single submitter. Criteria: Ambry Variant Classification Scheme 2023. Collection method: clinical testing. Allele origin: germline.
Comment: The p.T1744P variant (also known as c.5230A>C), located in coding exon 30 of the DNAH11 gene, results from an A to C substitution at nucleotide position 5230. The threonine at codon 1744 is replaced by proline, an amino acid with highly similar properties. This amino acid position is well conserved in available vertebrate species. In addition, the in silico prediction for this alteration is inconclusive. Since supporting evidence is limited at this time, the clinical significance of this alteration remains unclear.